The following is an entry in ClinVar:

NM_001127222.2(CACNA1A):c.6051-7C>G

Gene: CACNA1A (calcium voltage-gated channel subunit alpha1 A; minus strand). Cytogenetic location: 19p13.13.
Variant type: single nucleotide variant.
Coding change: c.6051-7C>G on transcript NM_001127222.2 (MANE Select); 7 bases into the intron before coding-DNA position 6051, C replaced by G.
Molecular consequence: intron variant.
Genome position (GRCh38, 1-based): chr19:13,212,529, G>C on the plus strand (C>G on the coding strand, the complement: CACNA1A is on the minus strand). VCF-style: chr19-13212529-G-C. GRCh37 (hg19) VCF-style: chr19-13323343-G-C.
Other names: c.6054-7C>G (NM_001127221.2); c.6060-7C>G (NM_001174080.2); c.6069-7C>G (NM_000068.4, NM_023035.3).
Identifiers: ClinVar variation 1307772 (VCV001307772.5), dbSNP rs776664699, ClinGen allele CA993704827.

ClinVar aggregate classification (germline): Conflicting classifications of pathogenicity. Review status: criteria provided, conflicting classifications (1 of 4 stars). 2 submissions from 2 submitters: Uncertain significance (1); Likely benign (1). Last evaluated 2024-09-16.

Conditions:
Episodic ataxia type 2 (EA2). Also called: ATAXIA, EPISODIC, WITH NYSTAGMUS; ATAXIA, FAMILIAL PAROXYSMAL; CEREBELLAR ATAXIA, PAROXYSMAL, ACETAZOLAMIDE-RESPONSIVE; CEREBELLOPATHY, HEREDITARY PAROXYSMAL; EPISODIC ATAXIA, NYSTAGMUS-ASSOCIATED; ACETAZOLAMIDE-RESPONSIVE HEREDITARY PAROXYSMAL CEREBELLAR ATAXIA. Identifiers: Orphanet 97, MedGen C1720416, MONDO:0007163, OMIM 108500.
Developmental and epileptic encephalopathy, 42 (DEE42A). Also called: Epileptic encephalopathy, early infantile, 42; DEVELOPMENTAL AND EPILEPTIC ENCEPHALOPATHY 42A; EPILEPTIC ENCEPHALOPATHY, EARLY INFANTILE, 42A. Identifiers: MedGen C4310716, MONDO:0014917, OMIM 617106.

Allele frequency attached by ClinVar (database versions not stated): TOPMed 0.00001.
gnomAD v4.1: 2 of 1,560,730 alleles (0.00013%); highest among the groups gnomAD compares: African/African-American, 0.0014%; no homozygotes.

Submissions (2):

Labcorp Genetics (formerly Invitae), Labcorp
Classification: Likely benign for Developmental and epileptic encephalopathy, 42; Episodic ataxia type 2. Last evaluated: 2024-09-16. Review status: criteria provided, single submitter. Criteria: Invitae Variant Classification Sherloc (09022015). Collection method: clinical testing. Allele origin: germline.

GeneDx
Classification: Uncertain significance. Last evaluated: 2019-08-14. Review status: criteria provided, single submitter. Criteria: GeneDx Variant Classification Process June 2021. Collection method: clinical testing. Allele origin: germline. Affected: yes.
Comment: Not observed in large population cohorts (Lek et al., 2016); Has not been previously published as pathogenic or benign to our knowledge; In-silico analysis, which includes splice predictors and evolutionary conservation, is inconclusive as to whether the variant alters gene splicing. In the absence of RNA/functional studies, the actual effect of this sequence change is unknown.